The following is an entry in ClinVar:

ClinVar aggregate classification (germline): Uncertain significance. Review status: criteria provided, multiple submitters, no conflicts (2 of 4 stars). 4 submissions from 4 submitters: Uncertain significance (4). Last evaluated 2026-03-18.

Conditions:
Cardiovascular phenotype. Identifiers: MedGen CN230736.
Dilated cardiomyopathy 1JJ (CMD1JJ). Identifiers: Orphanet 154, MedGen C3808935, MONDO:0014095, OMIM 615235.

Allele frequency attached by ClinVar (database versions not stated): 1000 Genomes Project 30x 0.00016; TOPMed 0.00002.

Submissions (4):

Clinical Genomics Laboratory, Washington University in St. Louis
Classification: Uncertain significance. Last evaluated: 2026-03-18. Review status: criteria provided, single submitter. Criteria: ACMG Guidelines, 2015. Collection method: clinical testing. Allele origin: germline.
Comment: The LAMA4 c.730G>A (p.Gly244Arg) variant, to our knowledge, has not been reported in the medical literature. This variant has been reported in the ClinVar database as a germline variant of uncertain significance by two submitters. This variant is only observed in 32/1,613,602 alleles in the general population (gnomAD v4.1.0), indicating it is not a common variant. Computational predictors suggest that the variant does not impact LAMA4 function. Due to limited information, the clinical significance of this variant is uncertain.

Labcorp Genetics (formerly Invitae), Labcorp
Classification: Uncertain significance for Dilated cardiomyopathy 1JJ. Last evaluated: 2025-06-09. Review status: criteria provided, single submitter. Criteria: Invitae Variant Classification Sherloc (09022015). Collection method: clinical testing. Allele origin: germline.
Comment: This sequence change replaces glycine, which is neutral and non-polar, with arginine, which is basic and polar, at codon 244 of the LAMA4 protein (p.Gly244Arg). This variant is present in population databases (rs147078770, gnomAD 0.004%). This variant has not been reported in the literature in individuals affected with LAMA4-related conditions. ClinVar contains an entry for this variant (Variation ID: 541223). Invitae Evidence Modeling of protein sequence and biophysical properties (such as structural, functional, and spatial information, amino acid conservation, physicochemical variation, residue mobility, and thermodynamic stability) indicates that this missense variant is not expected to disrupt LAMA4 protein function with a negative predictive value of 80%. In summary, the available evidence is currently insufficient to determine the role of this variant in disease. Therefore, it has been classified as a Variant of Uncertain Significance.

Ambry Genetics
Classification: Uncertain significance for Cardiovascular phenotype. Last evaluated: 2025-02-20. Review status: criteria provided, single submitter. Criteria: Ambry Variant Classification Scheme 2023. Collection method: clinical testing. Allele origin: germline.

Fulgent Genetics
Classification: Uncertain significance for Dilated cardiomyopathy 1JJ. Last evaluated: 2021-11-02. Review status: criteria provided, single submitter. Criteria: ACMG Guidelines, 2015. Collection method: clinical testing. Allele origin: unknown.

NM_001105206.3(LAMA4):c.730G>A (p.Gly244Arg)

Gene: LAMA4 (laminin subunit alpha 4; minus strand). Cytogenetic location: 6q21.
Variant type: single nucleotide variant.
Coding change: c.730G>A on transcript NM_001105206.3 (MANE Select); coding-DNA position 730, G replaced by A.
Protein change: p.Gly244Arg; replaces glycine 244 with arginine.
Molecular consequence: missense variant.
Genome position (GRCh38, 1-based): chr6:112,189,194, C>T on the plus strand (G>A on the coding strand, the complement: LAMA4 is on the minus strand). VCF-style: chr6-112189194-C-T. GRCh37 (hg19) VCF-style: chr6-112510396-C-T.
Other names: c.730G>A, p.Gly244Arg (NM_001105207.3, NM_002290.5); short protein forms G244R.
Identifiers: ClinVar variation 541223 (VCV000541223.14), dbSNP rs147078770, ClinGen allele CA3966059.